The following is an entry in ClinVar:

ClinVar aggregate classification (germline): Uncertain significance (1 of 4 stars; one submission).

Conditions:
Lafora disease. Also called: Epilepsy progressive myoclonic 2; Progressive Myoclonus Epilepsy, Lafora Type. Identifiers: Orphanet 501, MedGen C0751783, MONDO:0009697.

Allele frequency attached by ClinVar (database versions not stated): TOPMed below 0.00001; gnomAD exomes 0.00001.

Submission:

Labcorp Genetics (formerly Invitae), Labcorp
Classification: Uncertain significance for Lafora disease. Last evaluated: 2023-07-10. Review status: criteria provided, single submitter. Criteria: Invitae Variant Classification Sherloc (09022015). Collection method: clinical testing. Allele origin: germline.
Comment: This sequence change replaces arginine, which is basic and polar, with leucine, which is neutral and non-polar, at codon 105 of the NHLRC1 protein (p.Arg105Leu). This variant is not present in population databases (gnomAD no frequency). This variant has not been reported in the literature in individuals affected with NHLRC1-related conditions. ClinVar contains an entry for this variant (Variation ID: 1367205). Advanced modeling of protein sequence and biophysical properties (such as structural, functional, and spatial information, amino acid conservation, physicochemical variation, residue mobility, and thermodynamic stability) performed at Invitae indicates that this missense variant is not expected to disrupt NHLRC1 protein function. In summary, the available evidence is currently insufficient to determine the role of this variant in disease. Therefore, it has been classified as a Variant of Uncertain Significance.

NM_198586.3(NHLRC1):c.314G>T (p.Arg105Leu)

Gene: NHLRC1 (NHL repeat containing E3 ubiquitin protein ligase 1; minus strand). Cytogenetic location: 6p22.3.
Variant type: single nucleotide variant.
Coding change: c.314G>T on transcript NM_198586.3 (MANE Select); coding-DNA position 314, G replaced by T.
Protein change: p.Arg105Leu; replaces arginine 105 with leucine.
Molecular consequence: missense variant.
Genome position (GRCh38, 1-based): chr6:18,122,293, C>A on the plus strand (G>T on the coding strand, the complement: NHLRC1 is on the minus strand). VCF-style: chr6-18122293-C-A. GRCh37 (hg19) VCF-style: chr6-18122524-C-A.
Other names: short protein forms R105L.
Identifiers: ClinVar variation 1367205 (VCV001367205.6), dbSNP rs1166657109, ClinGen allele CA362828866.